The following is an entry in ClinVar:

ClinVar aggregate classification (germline): Uncertain significance (1 of 4 stars; one submission).

Conditions:
Hereditary cancer-predisposing syndrome. Also called: Neoplastic Syndromes, Hereditary; Tumor predisposition; Hereditary Cancer Syndrome; Hereditary neoplastic syndrome. Identifiers: Orphanet 140162, MedGen C0027672, MeSH D009386, MONDO:0015356.

Allele frequency attached by ClinVar (database versions not stated): gnomAD exomes below 0.00001.

Submission:

Color Diagnostics, LLC DBA Color Health
Classification: Uncertain significance for Hereditary cancer-predisposing syndrome. Last evaluated: 2023-05-08. Review status: criteria provided, single submitter. Criteria: ACMG Guidelines, 2015. Collection method: clinical testing. Allele origin: germline.
Comment: This missense variant replaces serine with isoleucine at codon 422 of the STK11 protein. Computational prediction suggests that this variant may not impact protein structure and function (internally defined REVEL score threshold <= 0.5, PMID: 27666373). To our knowledge, functional studies have not been reported for this variant. This variant has not been reported in individuals affected with STK11-related disorders in the literature. This variant has not been identified in the general population by the Genome Aggregation Database (gnomAD). The available evidence is insufficient to determine the role of this variant in disease conclusively. Therefore, this variant is classified as a Variant of Uncertain Significance.

NM_000455.5(STK11):c.1265G>T (p.Ser422Ile)

Gene: STK11 (serine/threonine kinase 11; plus strand). Cytogenetic location: 19p13.3.
Variant type: single nucleotide variant.
Coding change: c.1265G>T on transcript NM_000455.5 (MANE Select); coding-DNA position 1265, G replaced by T.
Protein change: p.Ser422Ile; replaces serine 422 with isoleucine.
Molecular consequence: missense variant. On other transcripts: non-coding transcript variant (1).
Genome position (GRCh38, 1-based): chr19:1,226,610, G>T. VCF-style: chr19-1226610-G-T. GRCh37 (hg19) VCF-style: chr19-1226609-G-T.
Other names: short protein forms S422I.
Identifiers: ClinVar variation 2774547 (VCV002774547.2), dbSNP rs2145436508, ClinGen allele CA402954115.